The following is an entry in ClinVar:

ClinVar aggregate classification (germline): Uncertain significance (1 of 4 stars; one submission).

Conditions:
Epilepsy, X-linked 1, with variable learning disabilities and behavior disorders. Also called: X-linked epilepsy-learning disabilities-behavior disorders syndrome. Identifiers: Orphanet 85294, MedGen C5774177, MONDO:0010339, OMIM 300491.

Submission:

Labcorp Genetics (formerly Invitae), Labcorp
Classification: Uncertain significance for Epilepsy, X-linked 1, with variable learning disabilities and behavior disorders. Last evaluated: 2022-10-19. Review status: criteria provided, single submitter. Criteria: Invitae Variant Classification Sherloc (09022015). Collection method: clinical testing. Allele origin: germline.
Comment: Variants that disrupt the consensus splice site are a relatively common cause of aberrant splicing (PMID: 17576681, 9536098). Algorithms developed to predict the effect of sequence changes on RNA splicing suggest that this variant may disrupt the consensus splice site. In summary, the available evidence is currently insufficient to determine the role of this variant in disease. Therefore, it has been classified as a Variant of Uncertain Significance. This variant has not been reported in the literature in individuals affected with SYN1-related conditions. This variant is not present in population databases (gnomAD no frequency). This sequence change falls in intron 4 of the SYN1 gene. It does not directly change the encoded amino acid sequence of the SYN1 protein. It affects a nucleotide within the consensus splice site.

Literature cited by the submitters: PubMed 17576681; PubMed 9536098.

NM_006950.3(SYN1):c.684+5_684+8del

Gene: SYN1 (synapsin I; minus strand). Cytogenetic location: Xp11.23.
Variant type: Microsatellite.
Coding change: c.684+5_684+8del on transcript NM_006950.3 (MANE Select); bases 5 to 8 of the intron after coding-DNA position 684, 4 bases deleted (GTAA; older notation c.684+5_684+8delGTAA).
Molecular consequence: splice donor variant.
Genome position (GRCh38, 1-based): chrX:47,605,215-47,605,218, TTAC deleted on the plus strand (GTAA on the coding strand, the reverse complement: SYN1 is on the minus strand); deleting any 4 consecutive bases within chrX:47,605,215-47,605,222 gives the same sequence; the c. name uses the placement nearest the transcript's 3' end. VCF-style (leftmost placement, unchanged base first): chrX-47605214-GTTAC-G. GRCh37 (hg19) VCF-style: chrX-47464613-GTTAC-G.
Other names: c.684+5_684+8del (NM_133499.2).
Identifiers: ClinVar variation 2036024 (VCV002036024.4), dbSNP rs2519705375, ClinGen allele CA2580617027.